The following is an entry in ClinVar:

ClinVar aggregate classification (germline): Uncertain significance (1 of 4 stars; one submission).

Conditions:
Aortic aneurysm, familial thoracic 7 (AAT7). Also called: AORTIC DISSECTION, FAMILIAL, WITH OR WITHOUT AORTIC ANEURYSM. Identifiers: MedGen C3151077, MONDO:0013418, OMIM 613780.

Submission:

Labcorp Genetics (formerly Invitae), Labcorp
Classification: Uncertain significance for Aortic aneurysm, familial thoracic 7. Last evaluated: 2025-11-24. Review status: criteria provided, single submitter. Criteria: Invitae Variant Classification Sherloc (09022015). Collection method: clinical testing. Allele origin: germline.
Comment: This sequence change falls in intron 15 of the MYLK gene. It does not directly change the encoded amino acid sequence of the MYLK protein. It affects a nucleotide within the consensus splice site. This variant is not present in population databases (gnomAD no frequency). This variant has not been reported in the literature in individuals affected with MYLK-related conditions. Variants that disrupt the consensus splice site are a relatively common cause of aberrant splicing (PMID: 17576681, 9536098). Algorithms developed to predict the effect of sequence changes on RNA splicing suggest that this variant may disrupt the consensus splice site. In summary, the available evidence is currently insufficient to determine the role of this variant in disease. Therefore, it has been classified as a Variant of Uncertain Significance.

Literature cited by the submitters: PubMed 17576681; PubMed 9536098.

NM_053025.4(MYLK):c.2140+4A>C

Gene: MYLK (myosin light chain kinase; minus strand). Cytogenetic location: 3q21.1.
Variant type: single nucleotide variant.
Coding change: c.2140+4A>C on transcript NM_053025.4 (MANE Select); 4 bases into the intron after coding-DNA position 2140, A replaced by C.
Molecular consequence: intron variant.
Genome position (GRCh38, 1-based): chr3:123,708,694, T>G on the plus strand (A>C on the coding strand, the complement: MYLK is on the minus strand). VCF-style: chr3-123708694-T-G. GRCh37 (hg19) VCF-style: chr3-123427541-T-G.
Other names: c.1612+4A>C (NM_001321309.2); c.1933+4A>C (NM_053028.4, NM_053026.4); c.2140+4A>C (NM_053027.4).
Identifiers: ClinVar variation 4731570 (VCV004731570.1).